The following is an entry in ClinVar:

NM_005816.5(CD96):c.1273C>T (p.Arg425Ter)

Gene: CD96 (CD96 molecule; plus strand). Cytogenetic location: 3q13.2.
Variant type: single nucleotide variant.
Coding change: c.1273C>T on transcript NM_005816.5 (MANE Select); coding-DNA position 1273, C replaced by T.
Protein change: p.Arg425Ter; replaces arginine 425 with a stop codon.
Molecular consequence: nonsense. On other transcripts: non-coding transcript variant (1).
Genome position (GRCh38, 1-based): chr3:111,624,356, C>T. VCF-style: chr3-111624356-C-T. GRCh37 (hg19) VCF-style: chr3-111343203-C-T.
Other names: c.1321C>T, p.Arg441Ter (NM_198196.3); short protein forms R425*, R441*.
Identifiers: ClinVar variation 1386075 (VCV001386075.6), dbSNP rs201691670, ClinGen allele CA2534729.

ClinVar aggregate classification (germline): Uncertain significance (1 of 4 stars; one submission).

Allele frequency attached by ClinVar (database versions not stated): gnomAD 0.00006 and 0.00008; ExAC 0.00009; gnomAD exomes 0.00009 and 0.00010; TOPMed 0.00011.
gnomAD v4.1: 153 of 1,611,908 alleles (0.0095%); highest among the groups gnomAD compares: Admixed American, 0.023%; no homozygotes.

Submission:

Labcorp Genetics (formerly Invitae), Labcorp
Classification: Uncertain significance. Last evaluated: 2025-03-01. Review status: criteria provided, single submitter. Criteria: Invitae Variant Classification Sherloc (09022015). Collection method: clinical testing. Allele origin: germline.
Comment: This sequence change creates a premature translational stop signal (p.Arg441*) in the CD96 gene. It is expected to result in an absent or disrupted protein product. However, the current clinical and genetic evidence is not sufficient to establish whether loss-of-function variants in CD96 cause disease. This variant is present in population databases (rs201691670, gnomAD 0.03%). This variant has not been reported in the literature in individuals affected with CD96-related conditions. ClinVar contains an entry for this variant (Variation ID: 1386075). In summary, the available evidence is currently insufficient to determine the role of this variant in disease. Therefore, it has been classified as a Variant of Uncertain Significance.